The following is an entry in ClinVar:

NM_022455.5(NSD1):c.4064C>T (p.Pro1355Leu)

Gene: NSD1 (nuclear receptor binding SET domain protein 1; plus strand). Cytogenetic location: 5q35.3.
Variant type: single nucleotide variant.
Coding change: c.4064C>T on transcript NM_022455.5 (MANE Select); coding-DNA position 4064, C replaced by T.
Protein change: p.Pro1355Leu; replaces proline 1355 with leucine.
Molecular consequence: missense variant.
Genome position (GRCh38, 1-based): chr5:177,238,379, C>T. VCF-style: chr5-177238379-C-T. GRCh37 (hg19) VCF-style: chr5-176665380-C-T.
Other names: c.3311C>T, p.Pro1104Leu (NM_001409305.1); c.3191C>T, p.Pro1064Leu (NM_001409306.1, NM_001409309.1, NM_001409307.1 and 3 more transcripts); c.4064C>T, p.Pro1355Leu (NM_001409301.1, NM_001409302.1, NM_001409303.1); c.3644C>T, p.Pro1215Leu (NM_001409304.1); short protein forms P1104L, P1355L, P1215L, P1064L.
Identifiers: ClinVar variation 3699950 (VCV003699950.2).

ClinVar aggregate classification (germline): Uncertain significance (1 of 4 stars; one submission).

gnomAD v4.1: 5 of 1,614,030 alleles (0.00031%); highest among the groups gnomAD compares: Non-Finnish European, 0.00042%; no homozygotes.

Submission:

Labcorp Genetics (formerly Invitae), Labcorp
Classification: Uncertain significance. Last evaluated: 2024-12-15. Review status: criteria provided, single submitter. Criteria: Invitae Variant Classification Sherloc (09022015). Collection method: clinical testing. Allele origin: germline.
Comment: This sequence change replaces proline, which is neutral and non-polar, with leucine, which is neutral and non-polar, at codon 1355 of the NSD1 protein (p.Pro1355Leu). This variant is not present in population databases (gnomAD no frequency). This variant has not been reported in the literature in individuals affected with NSD1-related conditions. Invitae Evidence Modeling of protein sequence and biophysical properties (such as structural, functional, and spatial information, amino acid conservation, physicochemical variation, residue mobility, and thermodynamic stability) indicates that this missense variant is not expected to disrupt NSD1 protein function with a negative predictive value of 95%. In summary, the available evidence is currently insufficient to determine the role of this variant in disease. Therefore, it has been classified as a Variant of Uncertain Significance.